The following is an entry in ClinVar:

ClinVar aggregate classification (germline): Benign/Likely benign. Review status: criteria provided, multiple submitters, no conflicts (2 of 4 stars). 2 submissions from 2 submitters: Benign (1); Likely benign (1). Last evaluated 2025-08-01.

Allele frequency attached by ClinVar (database versions not stated): 1000 Genomes Project 30x 0.00062; 1000 Genomes Project 0.00080; TOPMed 0.00221; ESP Exome Variant Server 0.00241; gnomAD 0.00461 and 0.00435; gnomAD exomes 0.00461 and 0.00399; ExAC 0.00459.
gnomAD v4.1: 6,500 of 1,613,964 alleles (0.4%); highest among the groups gnomAD compares: Non-Finnish European, 0.39%; 27 homozygotes.

Submissions (2):

CeGaT Center for Human Genetics Tuebingen
Classification: Likely benign. Last evaluated: 2025-08-01. Review status: criteria provided, single submitter. Criteria: CeGaT Center For Human Genetics Tuebingen Variant Classification Criteria Version 2. Collection method: clinical testing. Allele origin: germline. Affected: yes. Observed: 4 variant alleles.
Comment: MYO10: BP4, BP7

Labcorp Genetics (formerly Invitae), Labcorp
Classification: Benign. Last evaluated: 2018-06-26. Review status: criteria provided, single submitter. Criteria: Invitae Variant Classification Sherloc (09022015). Collection method: clinical testing. Allele origin: germline.

NM_012334.3(MYO10):c.5370C>T (p.Cys1790=)

Gene: MYO10 (myosin X; minus strand). Cytogenetic location: 5p15.1.
Variant type: single nucleotide variant.
Coding change: c.5370C>T on transcript NM_012334.3 (MANE Select); coding-DNA position 5370, C replaced by T.
Protein change: p.Cys1790=; no amino-acid change (cysteine 1790 retained).
Molecular consequence: synonymous variant.
Genome position (GRCh38, 1-based): chr5:16,671,482, G>A on the plus strand (C>T on the coding strand, the complement: MYO10 is on the minus strand). VCF-style: chr5-16671482-G-A. GRCh37 (hg19) VCF-style: chr5-16671591-G-A.
Identifiers: ClinVar variation 713592 (VCV000713592.27), dbSNP rs56249185, ClinGen allele CA3210832.